The following is an entry in ClinVar:

ClinVar aggregate classification (germline): Benign/Likely benign. Review status: criteria provided, multiple submitters, no conflicts (2 of 4 stars). 6 submissions from 5 submitters: Benign (5); Likely benign (1). Last evaluated 2026-01-19.

Conditions:
Autosomal dominant centronuclear myopathy. Also called: Myopathy, centronuclear, 3; MYOTUBULAR MYOPATHY, AUTOSOMAL DOMINANT. Identifiers: Orphanet 169189, MedGen C4551952, MeSH D020914, MONDO:0008048, OMIM 160150.
Charcot-Marie-Tooth disease dominant intermediate B (CMTDIB). Also called: CHARCOT-MARIE-TOOTH NEUROPATHY, DOMINANT INTERMEDIATE B; Charcot-Marie-Tooth disease dominant intermediate 1; CMT DI1; Charcot-Marie-Tooth disease dominant intermediate I. Identifiers: Orphanet 100044, Orphanet 228179, MedGen C1847902, MONDO:0011674, OMIM 606482.
DNM2-related disorder. Also called: DNM2-related condition.
Inborn genetic diseases. Identifiers: MedGen C0950123, MeSH D030342.

Allele frequency attached by ClinVar (database versions not stated): gnomAD exomes 0.00017 and 0.00036; gnomAD 0.00020 and 0.00021; TOPMed 0.00023; ESP Exome Variant Server 0.00031; ExAC 0.00037.
gnomAD v4.1: 301 of 1,611,676 alleles (0.019%); highest among the groups gnomAD compares: Non-Finnish European, 0.0031%; no homozygotes.

Submissions (6):

Labcorp Genetics (formerly Invitae), Labcorp
Classification: Benign for Charcot-Marie-Tooth disease dominant intermediate B. Last evaluated: 2026-01-19. Review status: criteria provided, single submitter. Criteria: Invitae Variant Classification Sherloc (09022015). Collection method: clinical testing. Allele origin: germline.

PreventionGenetics, part of Exact Sciences
Classification: Benign for DNM2-related condition. Last evaluated: 2025-05-14. Review status: criteria provided, single submitter. Criteria: ACMG Guidelines, 2015. Collection method: clinical testing. Allele origin: germline.
Comment: This variant is classified as benign based on ACMG/AMP sequence variant interpretation guidelines (Richards et al. 2015 PMID: 25741868, with internal and published modifications).

GeneDx
Classification: Benign. Last evaluated: 2021-04-23. Review status: criteria provided, single submitter. Criteria: GeneDx Variant Classification Process June 2021. Collection method: clinical testing. Allele origin: germline. Affected: yes.

Ambry Genetics
Classification: Likely benign for Inborn genetic diseases. Last evaluated: 2020-03-26. Review status: criteria provided, single submitter. Criteria: Ambry Variant Classification Scheme 2023. Collection method: clinical testing. Allele origin: germline.

Illumina Laboratory Services, Illumina
Classification: Benign for Charcot-Marie-Tooth disease dominant intermediate B. Last evaluated: 2018-01-12. Review status: criteria provided, single submitter. Criteria: ICSL Variant Classification Criteria 13 December 2019. Collection method: clinical testing. Allele origin: germline.
Comment: This variant was observed in the ICSL laboratory as part of a predisposition screen in an ostensibly healthy population. It had not been previously curated by ICSL or reported in the Human Gene Mutation Database (HGMD: prior to June 1st, 2018), and was therefore a candidate for classification through an automated scoring system. Utilizing variant allele frequency, disease prevalence and penetrance estimates, and inheritance mode, an automated score was calculated to assess if this variant is too frequent to cause the disease. Based on the score and internal cut-off values, a variant classified as benign is not then subjected to further curation. The score for this variant resulted in a classification of benign for this disease.

Illumina Laboratory Services, Illumina
Classification: Benign for Autosomal dominant centronuclear myopathy. Last evaluated: 2018-01-12. Review status: criteria provided, single submitter. Criteria: ICSL Variant Classification Criteria 13 December 2019. Collection method: clinical testing. Allele origin: germline.
Comment: the same text as in the submission from Illumina Laboratory Services, Illumina above.

NM_001005361.3(DNM2):c.2567G>A (p.Ser856Asn)

Gene: DNM2 (dynamin 2; plus strand). Cytogenetic location: 19p13.2.
Variant type: single nucleotide variant.
Coding change: c.2567G>A on transcript NM_001005361.3 (MANE Select); coding-DNA position 2567, G replaced by A.
Protein change: p.Ser856Asn; replaces serine 856 with asparagine.
Molecular consequence: missense variant.
Genome position (GRCh38, 1-based): chr19:10,831,001, G>A. VCF-style: chr19-10831001-G-A. GRCh37 (hg19) VCF-style: chr19-10941677-G-A.
Other names: c.2567G>A, p.Ser856Asn (NM_001005360.3); c.2555G>A, p.Ser852Asn (NM_001005362.3, NM_004945.4); c.2564G>A, p.Ser855Asn (NM_001190716.2); short protein forms S856N, S855N, S852N.
Identifiers: ClinVar variation 327993 (VCV000327993.21), dbSNP rs149825590, ClinGen allele CA9201663.
Genomic context (GRCh38, chr19:10,831,001, plus strand): 5'-GTCTCCCCCTCCCCACCTGTCTTTATTCTCTTTGCAGCAGAAGACCCCCTGCTGCGCCCA[G>A]CCGGCCCACCATTATCCGCCCAGCCGAGCCATCCCTGCTCGACTAGGCCTCGAGGGGGGC-3'
Protein context (NP_001005361.1, residues 846-866): VPSRRPPAAP[Ser856Asn]RPTIIRPAEP